The following is an entry in ClinVar:

NM_021913.5(AXL):c.1189G>A (p.Gly397Arg)

Gene: AXL (AXL receptor tyrosine kinase; plus strand). Cytogenetic location: 19q13.2.
Variant type: single nucleotide variant.
Coding change: c.1189G>A on transcript NM_021913.5 (MANE Select); coding-DNA position 1189, G replaced by A.
Protein change: p.Gly397Arg; replaces glycine 397 with arginine.
Molecular consequence: missense variant.
Genome position (GRCh38, 1-based): chr19:41,239,218, G>A. VCF-style: chr19-41239218-G-A. GRCh37 (hg19) VCF-style: chr19-41745123-G-A.
Other names: c.385G>A, p.Gly129Arg (NM_001278599.2); c.1189G>A, p.Gly397Arg (NM_001699.6); short protein forms G129R, G397R.
Identifiers: ClinVar variation 3046374 (VCV003046374.4), dbSNP rs537601446, ClinGen allele CA9458220.

ClinVar aggregate classification (germline): Likely benign. Review status: criteria provided, single submitter (1 of 4 stars). 2 submissions from 2 submitters: Likely benign (1). 1 of the submissions does not count toward it. Last evaluated 2024-06-21.

Conditions:
AXL-related disorder. Also called: AXL-related condition.

Allele frequency attached by ClinVar (database versions not stated): ExAC 0.00045; 1000 Genomes Project 30x 0.00078; 1000 Genomes Project 0.00100.

Submissions (2):

Labcorp Genetics (formerly Invitae), Labcorp
Classification: Likely benign. Last evaluated: 2024-06-21. Review status: criteria provided, single submitter. Criteria: Invitae Variant Classification Sherloc (09022015). Collection method: clinical testing. Allele origin: germline.

PreventionGenetics, part of Exact Sciences
Classification: Likely benign for AXL-related condition. Last evaluated: 2021-03-16. Review status: no assertion criteria provided. Collection method: clinical testing. Allele origin: germline. Not counted in ClinVar's aggregate classification.
Comment: This variant is classified as likely benign based on ACMG/AMP sequence variant interpretation guidelines (Richards et al. 2015 PMID: 25741868, with internal and published modifications).